The following is an entry in ClinVar:

ClinVar aggregate classification (germline): Uncertain significance (1 of 4 stars; one submission).

Allele frequency attached by ClinVar (database versions not stated): gnomAD below 0.00001 and 0.00001; TOPMed below 0.00001; gnomAD exomes 0.00001 and 0.00003; ExAC 0.00004.
gnomAD v4.1: 12 of 1,587,504 alleles (0.00076%); highest among the groups gnomAD compares: South Asian, 0.014%; no homozygotes.

Submission:

Labcorp Genetics (formerly Invitae), Labcorp
Classification: Uncertain significance. Last evaluated: 2022-01-06. Review status: criteria provided, single submitter. Criteria: Invitae Variant Classification Sherloc (09022015). Collection method: clinical testing. Allele origin: germline.
Comment: This sequence change replaces serine, which is neutral and polar, with phenylalanine, which is neutral and non-polar, at codon 556 of the SAMD11 protein (p.Ser556Phe). This variant is present in population databases (rs779709136, gnomAD 0.02%). This variant has not been reported in the literature in individuals affected with SAMD11-related conditions. ClinVar contains an entry for this variant (Variation ID: 956878). Algorithms developed to predict the effect of missense changes on protein structure and function are either unavailable or do not agree on the potential impact of this missense change (SIFT: "Tolerated"; PolyPhen-2: "Possibly Damaging"; Align-GVGD: "Class C0"). In summary, the available evidence is currently insufficient to determine the role of this variant in disease. Therefore, it has been classified as a Variant of Uncertain Significance.

NM_001385641.1(SAMD11):c.2156C>T (p.Ser719Phe)

Genes: SAMD11 (sterile alpha motif domain containing 11; plus strand), LOC129929063 (ATAC-STARR-seq lymphoblastoid active region 4; plus strand). Cytogenetic location: 1p36.33.
Variant type: single nucleotide variant.
Coding change: c.2156C>T on transcript NM_001385641.1 (MANE Select); coding-DNA position 2156, C replaced by T.
Protein change: p.Ser719Phe; replaces serine 719 with phenylalanine.
Molecular consequence: missense variant.
Genome position (GRCh38, 1-based): chr1:943,355, C>T. VCF-style: chr1-943355-C-T. GRCh37 (hg19) VCF-style: chr1-878735-C-T.
Other names: c.2159C>T, p.Ser720Phe (NM_001385640.1); c.1667C>T, p.Ser556Phe (NM_152486.4); short protein forms S556F, S719F, S720F.
Identifiers: ClinVar variation 956878 (VCV000956878.10), dbSNP rs779709136, ClinGen allele CA503173.